The following is an entry in ClinVar:

ClinVar aggregate classification (germline): Uncertain significance (1 of 4 stars; one submission).

gnomAD v4.1: 24 of 1,612,428 alleles (0.0015%); highest among the groups gnomAD compares: South Asian, 0.0011%; no homozygotes.

Submission:

Labcorp Genetics (formerly Invitae), Labcorp
Classification: Uncertain significance. Last evaluated: 2025-09-14. Review status: criteria provided, single submitter. Criteria: Invitae Variant Classification Sherloc (09022015). Collection method: clinical testing. Allele origin: germline.
Comment: This sequence change replaces tyrosine, which is neutral and polar, with cysteine, which is neutral and slightly polar, at codon 274 of the CLCC1 protein (p.Tyr274Cys). This variant is present in population databases (rs200061934, gnomAD 0.02%). This variant has not been reported in the literature in individuals affected with CLCC1-related conditions. An algorithm developed to predict the effect of missense changes on protein structure and function (PolyPhen-2) suggests that this variant is likely to be disruptive. In summary, the available evidence is currently insufficient to determine the role of this variant in disease. Therefore, it has been classified as a Variant of Uncertain Significance.

NM_001377458.1(CLCC1):c.821A>G (p.Tyr274Cys)

Gene: CLCC1 (chloride channel CLIC like 1; minus strand). Cytogenetic location: 1p13.3.
Variant type: single nucleotide variant.
Coding change: c.821A>G on transcript NM_001377458.1 (MANE Select); coding-DNA position 821, A replaced by G.
Protein change: p.Tyr274Cys; replaces tyrosine 274 with cysteine.
Molecular consequence: missense variant. On other transcripts: non-coding transcript variant (1), intron variant (1).
Genome position (GRCh38, 1-based): chr1:108,940,118, T>C on the plus strand (A>G on the coding strand, the complement: CLCC1 is on the minus strand). VCF-style: chr1-108940118-T-C. GRCh37 (hg19) VCF-style: chr1-109482740-T-C.
Other names: c.821A>G, p.Tyr274Cys (NM_001048210.3, NM_001377459.1, NM_001377460.1 and 8 more transcripts); c.458A>G, p.Tyr153Cys (NM_001278202.2); c.719A>G, p.Tyr240Cys (NM_001377469.1); c.530A>G, p.Tyr177Cys (NM_001377470.1); c.671A>G, p.Tyr224Cys (NM_015127.5); c.340-336A>G (NM_001278203.1); short protein forms Y224C, Y153C, Y177C, Y274C, Y240C.
Identifiers: ClinVar variation 4696846 (VCV004696846.1).